The following is an entry in ClinVar:

NM_004281.4(BAG3):c.574G>T (p.Gly192Cys)

Gene: BAG3 (BAG cochaperone 3; plus strand). Cytogenetic location: 10q26.11.
Variant type: single nucleotide variant.
Coding change: c.574G>T on transcript NM_004281.4 (MANE Select); coding-DNA position 574, G replaced by T.
Protein change: p.Gly192Cys; replaces glycine 192 with cysteine.
Molecular consequence: missense variant.
Genome position (GRCh38, 1-based): chr10:119,672,321, G>T. VCF-style: chr10-119672321-G-T. GRCh37 (hg19) VCF-style: chr10-121431833-G-T.
Other names: short protein forms G192C.
Identifiers: ClinVar variation 834325 (VCV000834325.33), dbSNP rs201487919, ClinGen allele CA5716369.

ClinVar aggregate classification (germline): Uncertain significance. Review status: criteria provided, multiple submitters, no conflicts (2 of 4 stars). 6 submissions from 6 submitters: Uncertain significance (6). Last evaluated 2025-03-31.

Conditions:
Myofibrillar myopathy 6. Identifiers: Orphanet 199340, MedGen C2751831, MONDO:0013061, OMIM 612954.
Cardiovascular phenotype. Identifiers: MedGen CN230736.
Dilated cardiomyopathy 1HH (CMD1HH). Identifiers: Orphanet 154, MedGen C3151293, MONDO:0013479, OMIM 613881.

gnomAD v4.1: 11 of 1,613,992 alleles (0.00068%); highest among the groups gnomAD compares: South Asian, 0.011%; no homozygotes.

Submissions (6):

Revvity Omics, Revvity
Classification: Uncertain significance. Last evaluated: 2025-03-31. Review status: criteria provided, single submitter. Criteria: ACMG Guidelines, 2015. Collection method: clinical testing. Allele origin: germline.

Ambry Genetics
Classification: Uncertain significance for Cardiovascular phenotype. Last evaluated: 2024-07-30. Review status: criteria provided, single submitter. Criteria: Ambry Variant Classification Scheme 2023. Collection method: clinical testing. Allele origin: germline.
Comment: The p.G192C variant (also known as c.574G>T), located in coding exon 3 of the BAG3 gene, results from a G to T substitution at nucleotide position 574. The glycine at codon 192 is replaced by cysteine, an amino acid with highly dissimilar properties. This amino acid position is not well conserved in available vertebrate species. In addition, this alteration is predicted to be tolerated by in silico analysis. Based on the available evidence, the clinical significance of this variant remains unclear.

CeGaT Center for Human Genetics Tuebingen
Classification: Uncertain significance. Last evaluated: 2024-03-01. Review status: criteria provided, single submitter. Criteria: CeGaT Center For Human Genetics Tuebingen Variant Classification Criteria Version 2. Collection method: clinical testing. Allele origin: germline. Affected: yes. Observed: 1 variant allele.
Comment: BAG3: PM2, BP4

Fulgent Genetics
Classification: Uncertain significance for Myofibrillar myopathy 6; Dilated cardiomyopathy 1HH. Last evaluated: 2021-10-06. Review status: criteria provided, single submitter. Criteria: ACMG Guidelines, 2015. Collection method: clinical testing. Allele origin: unknown.

Labcorp Genetics (formerly Invitae), Labcorp
Classification: Uncertain significance for Dilated cardiomyopathy 1HH; Myofibrillar myopathy 6. Last evaluated: 2019-04-04. Review status: criteria provided, single submitter. Criteria: Invitae Variant Classification Sherloc (09022015). Collection method: clinical testing. Allele origin: germline.
Comment: In summary, the available evidence is currently insufficient to determine the role of this variant in disease. Therefore, it has been classified as a Variant of Uncertain Significance. Algorithms developed to predict the effect of missense changes on protein structure and function are either unavailable or do not agree on the potential impact of this missense change (SIFT: "Deleterious"; PolyPhen-2: "Probably Damaging"; Align-GVGD: "Class C15"). This variant has not been reported in the literature in individuals with BAG3-related conditions. This variant is present in population databases (rs201487919, ExAC 0.006%). This sequence change replaces glycine with cysteine at codon 192 of the BAG3 protein (p.Gly192Cys). The glycine residue is moderately conserved and there is a large physicochemical difference between glycine and cysteine.

Neuberg Centre For Genomic Medicine, NCGM
Classification: Uncertain significance for Myofibrillar myopathy 6. Review status: criteria provided, single submitter. Criteria: ACMG Guidelines, 2015. Collection method: clinical testing. Allele origin: germline. Inheritance: Autosomal dominant inheritance. Affected: yes.
Comment: The missense variant c.574G>T (p.Gly192Cys) in BAG3 gene has not been reported previously as a pathogenic variant nor as a benign variant, to our knowledge. This variant has been reported to the ClinVar database as Uncertain Significance. The p.Gly192Cys variant is novel (not in any individuals) in 1000 Genomes and allele frequency of 0.002002% is reported in gnomAD . The amino acid Gly at position 192 is changed to a Cys changing protein sequence and it might alter its composition and physico-chemical properties. The variant is predicted to be damaging by both SIFT and PolyPhen2. The residue is conserved across species. The amino acid change p.Gly192Cys in BAG3 is predicted as conserved by GERP++ and PhyloP across 100 vertebrates. For these reasons, this variant has been classified as Uncertain Significance .